The following is an entry in ClinVar:

NM_000127.3(EXT1):c.894C>G (p.Cys298Trp)

Gene: EXT1 (exostosin glycosyltransferase 1; minus strand). Cytogenetic location: 8q24.11.
Variant type: single nucleotide variant.
Coding change: c.894C>G on transcript NM_000127.3 (MANE Select); coding-DNA position 894, C replaced by G.
Protein change: p.Cys298Trp; replaces cysteine 298 with tryptophan.
Molecular consequence: missense variant.
Genome position (GRCh38, 1-based): chr8:118,110,153, G>C on the plus strand (C>G on the coding strand, the complement: EXT1 is on the minus strand). VCF-style: chr8-118110153-G-C. GRCh37 (hg19) VCF-style: chr8-119122392-G-C.
Other names: short protein forms C298W.
Identifiers: ClinVar variation 4983103 (VCV004983103.1).

ClinVar aggregate classification (germline): Likely pathogenic (1 of 4 stars; one submission).

Conditions:
EXT1-related disorder. Also called: EXT1-related condition.

Submission:

PreventionGenetics, part of Exact Sciences
Classification: Likely pathogenic for EXT1-related condition. Last evaluated: 2026-02-12. Review status: criteria provided, single submitter. Criteria: ACMG Guidelines, 2015. Collection method: clinical testing. Allele origin: germline.
Comment: The EXT1 c.894C>G variant is predicted to result in the amino acid substitution p.Cys298Trp. To our knowledge, this variant has not been reported in the literature or in a large population database (gnomAD), indicating this variant is rare. This variant is interpreted as likely pathogenic.